The following is an entry in ClinVar:

ClinVar aggregate classification (germline): Uncertain significance. Review status: criteria provided, multiple submitters, no conflicts (2 of 4 stars). 2 submissions from 2 submitters: Uncertain significance (2). Last evaluated 2024-11-22.

Conditions:
Hereditary cancer-predisposing syndrome. Also called: Hereditary Cancer Syndrome; Tumor predisposition; Neoplastic Syndromes, Hereditary; Hereditary neoplastic syndrome. Identifiers: Orphanet 140162, MedGen C0027672, MeSH D009386, MONDO:0015356.
Multiple endocrine neoplasia, type 2 (MEN2). Identifiers: Orphanet 653, MedGen C4048306, MONDO:0019003. Disease mechanism: gain of function.

Allele frequency attached by ClinVar (database versions not stated): ExAC 0.00001; gnomAD 0.00001.
gnomAD v4.1: 1 of 1,606,348 alleles (0.000062%); highest among the groups gnomAD compares: Non-Finnish European, 0.000085%; no homozygotes.

Submissions (2):

Ambry Genetics
Classification: Uncertain significance for Hereditary cancer-predisposing syndrome. Last evaluated: 2024-11-22. Review status: criteria provided, single submitter. Criteria: Ambry Variant Classification Scheme 2023. Collection method: clinical testing. Allele origin: germline.
Comment: The p.P628S variant (also known as c.1882C>T), located in coding exon 11 of the RET gene, results from a C to T substitution at nucleotide position 1882. The proline at codon 628 is replaced by serine, an amino acid with similar properties. This amino acid position is not well conserved in available vertebrate species. In addition, the in silico prediction for this alteration is inconclusive. Based on the available evidence, the clinical significance of this variant remains unclear.

Labcorp Genetics (formerly Invitae), Labcorp
Classification: Uncertain significance for Multiple endocrine neoplasia, type 2. Last evaluated: 2020-03-10. Review status: criteria provided, single submitter. Criteria: Invitae Variant Classification Sherloc (09022015). Collection method: clinical testing. Allele origin: germline.
Comment: This variant has not been reported in the literature in individuals with RET-related conditions. This variant is present in population databases (rs754466051, ExAC 0.002%). This sequence change replaces proline with serine at codon 628 of the RET protein (p.Pro628Ser). The proline residue is moderately conserved and there is a moderate physicochemical difference between proline and serine. Algorithms developed to predict the effect of missense changes on protein structure and function output the following: SIFT: "Tolerated"; PolyPhen-2: "Benign"; Align-GVGD: "Class C0". The serine amino acid residue is found in multiple mammalian species, suggesting that this missense change does not adversely affect protein function. These predictions have not been confirmed by published functional studies and their clinical significance is uncertain. In summary, the available evidence is currently insufficient to determine the role of this variant in disease. Therefore, it has been classified as a Variant of Uncertain Significance.

NM_020975.6(RET):c.1882C>T (p.Pro628Ser)

Gene: RET (ret proto-oncogene; plus strand). Cytogenetic location: 10q11.21.
Variant type: single nucleotide variant.
Coding change: c.1882C>T on transcript NM_020975.6 (MANE Select); coding-DNA position 1882, C replaced by T.
Protein change: p.Pro628Ser; replaces proline 628 with serine.
Molecular consequence: missense variant.
Genome position (GRCh38, 1-based): chr10:43,114,482, C>T. VCF-style: chr10-43114482-C-T. GRCh37 (hg19) VCF-style: chr10-43609930-C-T.
Other names: c.1882C>T, p.Pro628Ser (NM_000323.2, NM_001406743.1, NM_001406744.1 and 4 more transcripts); c.1120C>T, p.Pro374Ser (NM_001355216.2); c.1753C>T, p.Pro585Ser (NM_001406761.1, NM_001406762.1, NM_001406764.1); c.1594C>T, p.Pro532Ser (NM_001406766.1, NM_001406767.1, NM_001406770.1); c.1486C>T, p.Pro496Ser (NM_001406769.1, NM_001406772.1); c.1444C>T, p.Pro482Ser (NM_001406771.1, NM_001406773.1); c.1357C>T, p.Pro453Ser (NM_001406774.1); c.1156C>T, p.Pro386Ser (NM_001406775.1, NM_001406776.1, NM_001406777.1 and 1 more transcripts); and 7 more; short protein forms P374S, P628S, P193S, P286S, P453S, P532S, P329S, P386S.
Identifiers: ClinVar variation 1014472 (VCV001014472.10), dbSNP rs754466051, ClinGen allele CA036290.
Genomic context (GRCh38, chr10:43,114,482, plus strand): 5'-GTACCCAGTGGTGCCGAGCCTCTGGCGGTGCCAAGCCTCACACCACCCCCACCCACAGAT[C>T]CACTGTGCGACGAGCTGTGCCGCACGGTGATCGCAGCCGCTGTCCTCTTCTCCTTCATCG-3'
Protein context (NP_066124.1, residues 618-638): CFCEPEDIQD[Pro628Ser]LCDELCRTVI